The following is an entry in ClinVar:

ClinVar aggregate classification (germline): Likely benign (1 of 4 stars; one submission).

Allele frequency attached by ClinVar (database versions not stated): gnomAD exomes 0.00094; gnomAD 0.00732; TOPMed 0.00868; 1000 Genomes Project 0.00919; 1000 Genomes Project 30x 0.01015.
gnomAD v4.1: 2,098 of 961,456 alleles (0.22%); highest among the groups gnomAD compares: African/African-American, 2.7%; 24 homozygotes.

Submission:

GeneDx
Classification: Likely benign. Last evaluated: 2018-06-19. Review status: criteria provided, single submitter. Criteria: GeneDx Variant Classification (06012015). Collection method: clinical testing. Allele origin: germline. Affected: yes.
Comment: This variant is considered likely benign or benign based on one or more of the following criteria: it is a conservative change, it occurs at a poorly conserved position in the protein, it is predicted to be benign by multiple in silico algorithms, and/or has population frequency not consistent with disease.

NM_006859.4(LIAS):c.955-65A>G

Gene: LIAS (lipoic acid synthetase; plus strand). Cytogenetic location: 4p14.
Variant type: single nucleotide variant.
Coding change: c.955-65A>G on transcript NM_006859.4 (MANE Select); 65 bases into the intron before coding-DNA position 955, A replaced by G.
Molecular consequence: intron variant.
Genome position (GRCh38, 1-based): chr4:39,473,035, A>G. VCF-style: chr4-39473035-A-G. GRCh37 (hg19) VCF-style: chr4-39474655-A-G.
Other names: c.954+1729A>G (NM_194451.3); c.826-65A>G (NM_001278590.2); c.646-65A>G (NM_001363700.2).
Identifiers: ClinVar variation 675220 (VCV000675220.1), dbSNP rs141807941, ClinGen allele CA95732988.